The following is an entry in ClinVar:

NM_001206927.2(DNAH8):c.8339T>C (p.Ile2780Thr)

Gene: DNAH8 (dynein axonemal heavy chain 8; plus strand). Cytogenetic location: 6p21.2.
Variant type: single nucleotide variant.
Coding change: c.8339T>C on transcript NM_001206927.2 (MANE Select); coding-DNA position 8339, T replaced by C.
Protein change: p.Ile2780Thr; replaces isoleucine 2780 with threonine.
Molecular consequence: missense variant.
Genome position (GRCh38, 1-based): chr6:38,886,870, T>C. VCF-style: chr6-38886870-T-C. GRCh37 (hg19) VCF-style: chr6-38854646-T-C.
Other names: p.Ile2780Thr; c.7688T>C, p.Ile2563Thr (NM_001371.4); short protein forms I2780T, I2563T.
Identifiers: ClinVar variation 224919 (VCV000224919.40), dbSNP rs142328376, ClinGen allele CA356455.

ClinVar aggregate classification (germline): Benign/Likely benign. Review status: criteria provided, multiple submitters, no conflicts (2 of 4 stars). 4 submissions from 4 submitters: Benign (2); Likely benign (2). Last evaluated 2026-02-03.

Conditions:
Spermatogenic failure 46. Identifiers: MedGen C5436799, MONDO:0033673, OMIM 619095.
Primary ciliary dyskinesia. Also called: Ciliary dyskinesia. Identifiers: Orphanet 244, MedGen C0008780, MONDO:0016575, HP:0012265.

Allele frequency attached by ClinVar (database versions not stated): 1000 Genomes Project 30x 0.00141; 1000 Genomes Project 0.00160; ExAC 0.00438; gnomAD 0.00453 and 0.00463; ESP Exome Variant Server 0.00454; gnomAD exomes 0.00454 and 0.00564; TOPMed 0.00493.
gnomAD v4.1: 8,901 of 1,614,082 alleles (0.55%); highest among the groups gnomAD compares: Admixed American, 0.72%; 41 homozygotes.

Submissions (4):

Labcorp Genetics (formerly Invitae), Labcorp
Classification: Benign for Primary ciliary dyskinesia. Last evaluated: 2026-02-03. Review status: criteria provided, single submitter. Criteria: Invitae Variant Classification Sherloc (09022015). Collection method: clinical testing. Allele origin: germline.

CeGaT Center for Human Genetics Tuebingen
Classification: Likely benign. Last evaluated: 2025-08-01. Review status: criteria provided, single submitter. Criteria: CeGaT Center For Human Genetics Tuebingen Variant Classification Criteria Version 2. Collection method: clinical testing. Allele origin: germline. Affected: yes. Observed: 3 variant alleles.
Comment: DNAH8: BS2

Mayo Clinic Laboratories, Mayo Clinic
Classification: Benign. Last evaluated: 2025-06-10. Review status: criteria provided, single submitter. Criteria: ACMG Guidelines, 2015. Collection method: clinical testing. Allele origin: germline. Observed: 1 variant allele.
Comment: BS1, BS2

Fulgent Genetics
Classification: Likely benign for Spermatogenic failure 46. Last evaluated: 2021-10-11. Review status: criteria provided, single submitter. Criteria: ACMG Guidelines, 2015. Collection method: clinical testing. Allele origin: unknown.